The following is an entry in ClinVar:

NM_022464.5(SIL1):c.834C>T (p.Ala278=)

Gene: SIL1 (SIL1 nucleotide exchange factor; minus strand). Cytogenetic location: 5q31.2.
Variant type: single nucleotide variant.
Coding change: c.834C>T on transcript NM_022464.5 (MANE Select); coding-DNA position 834, C replaced by T.
Protein change: p.Ala278=; no amino-acid change (alanine 278 retained).
Molecular consequence: synonymous variant.
Genome position (GRCh38, 1-based): chr5:138,951,818, G>A on the plus strand (C>T on the coding strand, the complement: SIL1 is on the minus strand). VCF-style: chr5-138951818-G-A. GRCh37 (hg19) VCF-style: chr5-138287507-G-A.
Other names: c.834C>T, p.Ala278= (NM_001037633.2).
Identifiers: ClinVar variation 3060689 (VCV003060689.2), dbSNP rs1766785582, ClinGen allele CA446598982.

ClinVar aggregate classification (germline): Likely benign (0 of 4 stars; one submission).

Conditions:
SIL1-related disorder. Also called: SIL1-related condition.

Allele frequency attached by ClinVar (database versions not stated): gnomAD 0.00001; gnomAD exomes below 0.00001.
gnomAD v4.1: 2 of 1,613,992 alleles (0.00012%); highest among the groups gnomAD compares: African/African-American, 0.0027%; no homozygotes.

Submission:

PreventionGenetics, part of Exact Sciences
Classification: Likely benign for SIL1-related condition. Last evaluated: 2021-11-16. Review status: no assertion criteria provided. Collection method: clinical testing. Allele origin: germline.
Comment: This variant is classified as likely benign based on ACMG/AMP sequence variant interpretation guidelines (Richards et al. 2015 PMID: 25741868, with internal and published modifications).